The following is an entry in ClinVar:

NM_003737.4(DCHS1):c.2221C>A (p.Leu741Met)

Gene: DCHS1 (dachsous cadherin-related 1; minus strand). Cytogenetic location: 11p15.4.
Variant type: single nucleotide variant.
Coding change: c.2221C>A on transcript NM_003737.4 (MANE Select); coding-DNA position 2221, C replaced by A.
Protein change: p.Leu741Met; replaces leucine 741 with methionine.
Molecular consequence: missense variant.
Genome position (GRCh38, 1-based): chr11:6,633,646, G>T on the plus strand (C>A on the coding strand, the complement: DCHS1 is on the minus strand). VCF-style: chr11-6633646-G-T. GRCh37 (hg19) VCF-style: chr11-6654877-G-T.
Other names: short protein forms L741M.
Identifiers: ClinVar variation 4716897 (VCV004716897.1).
Genomic context (GRCh38, chr11:6,633,646, plus strand): 5'-CGATCTCCAGCTGCACCACAGAATTGGCCCGTCTGGCCAAGGGCCAGGCTACTGTCAACA[G>T]CCCTGAGAGGAAGAATAGAAGCAGAGATATATAAGGAAACATAATAGGGCTAGAAAGGTT-3'
Protein context (NP_003728.1, residues 731-751): PLFTLDEQSG[Leu741Met]LTVAWPLARR

ClinVar aggregate classification (germline): Uncertain significance (1 of 4 stars; one submission).

Submission:

Labcorp Genetics (formerly Invitae), Labcorp
Classification: Uncertain significance. Last evaluated: 2025-06-18. Review status: criteria provided, single submitter. Criteria: Invitae Variant Classification Sherloc (09022015). Collection method: clinical testing. Allele origin: germline.
Comment: This sequence change replaces leucine, which is neutral and non-polar, with methionine, which is neutral and non-polar, at codon 741 of the DCHS1 protein (p.Leu741Met). This variant is not present in population databases (gnomAD no frequency). This variant has not been reported in the literature in individuals affected with DCHS1-related conditions. An algorithm developed to predict the effect of missense changes on protein structure and function (PolyPhen-2) suggests that this variant is likely to be disruptive. In summary, the available evidence is currently insufficient to determine the role of this variant in disease. Therefore, it has been classified as a Variant of Uncertain Significance.